The following is an entry in ClinVar:

ClinVar aggregate classification (germline): Uncertain significance (1 of 4 stars; one submission).

Conditions:
Deficiency of adenosine deaminase 2. Also called: Polyarteritis nodosa, childhoood-onset; Adenosine Deaminase 2 Deficiency; VASCULITIS, AUTOINFLAMMATION, IMMUNODEFICIENCY, AND HEMATOLOGIC DEFECTS SYNDROME. Identifiers: Orphanet 404553, MedGen C3887654, MONDO:0014306, OMIM 615688, MONDO:0100317.

Allele frequency attached by ClinVar (database versions not stated): gnomAD exomes below 0.00001.
gnomAD v4.1: 2 of 1,614,116 alleles (0.00012%); highest among the groups gnomAD compares: Non-Finnish European, 0.00017%; no homozygotes.

Submission:

Labcorp Genetics (formerly Invitae), Labcorp
Classification: Uncertain significance for Deficiency of adenosine deaminase 2. Last evaluated: 2025-08-21. Review status: criteria provided, single submitter. Criteria: Invitae Variant Classification Sherloc (09022015). Collection method: clinical testing. Allele origin: germline.
Comment: This sequence change replaces alanine, which is neutral and non-polar, with serine, which is neutral and polar, at codon 340 of the ADA2 protein (p.Ala340Ser). This variant is not present in population databases (gnomAD no frequency). This variant has not been reported in the literature in individuals affected with ADA2-related conditions. ClinVar contains an entry for this variant (Variation ID: 664669). Invitae Evidence Modeling of protein sequence and biophysical properties (such as structural, functional, and spatial information, amino acid conservation, physicochemical variation, residue mobility, and thermodynamic stability) has been performed for this missense variant. However, the output from this modeling did not meet the statistical confidence thresholds required to predict the impact of this variant on ADA2 protein function. In summary, the available evidence is currently insufficient to determine the role of this variant in disease. Therefore, it has been classified as a Variant of Uncertain Significance.

NM_001282225.2(ADA2):c.1018G>T (p.Ala340Ser)

Gene: ADA2 (adenosine deaminase 2; minus strand). Cytogenetic location: 22q11.1.
Variant type: single nucleotide variant.
Coding change: c.1018G>T on transcript NM_001282225.2 (MANE Select); coding-DNA position 1018, G replaced by T.
Protein change: p.Ala340Ser; replaces alanine 340 with serine.
Molecular consequence: missense variant.
Genome position (GRCh38, 1-based): chr22:17,188,402, C>A on the plus strand (G>T on the coding strand, the complement: ADA2 is on the minus strand). VCF-style: chr22-17188402-C-A. GRCh37 (hg19) VCF-style: chr22-17669292-C-A.
Other names: c.1018G>T, p.Ala340Ser (NM_001282226.2); c.892G>T, p.Ala298Ser (NM_001282227.2, NM_001282228.2); c.658G>T, p.Ala220Ser (NM_001282229.2); c.295G>T, p.Ala99Ser (NM_177405.3); short protein forms A220S, A99S, A298S, A340S.
Identifiers: ClinVar variation 664669 (VCV000664669.9), dbSNP rs1601430690, ClinGen allele CA410233386.